The following is an entry in ClinVar:

ClinVar aggregate classification (germline): Uncertain significance (1 of 4 stars; one submission).

Submission:

Labcorp Genetics (formerly Invitae), Labcorp
Classification: Uncertain significance. Last evaluated: 2025-03-31. Review status: criteria provided, single submitter. Criteria: Invitae Variant Classification Sherloc (09022015). Collection method: clinical testing. Allele origin: germline.
Comment: This sequence change replaces proline, which is neutral and non-polar, with serine, which is neutral and polar, at codon 177 of the RAI1 protein (p.Pro177Ser). This variant is not present in population databases (gnomAD no frequency). This variant has not been reported in the literature in individuals affected with RAI1-related conditions. ClinVar contains an entry for this variant (Variation ID: 2787318). Invitae Evidence Modeling of protein sequence and biophysical properties (such as structural, functional, and spatial information, amino acid conservation, physicochemical variation, residue mobility, and thermodynamic stability) indicates that this missense variant is not expected to disrupt RAI1 protein function with a negative predictive value of 80%. In summary, the available evidence is currently insufficient to determine the role of this variant in disease. Therefore, it has been classified as a Variant of Uncertain Significance.

NM_030665.4(RAI1):c.529C>T (p.Pro177Ser)

Gene: RAI1 (retinoic acid induced 1; plus strand). Cytogenetic location: 17p11.2.
Variant type: single nucleotide variant.
Coding change: c.529C>T on transcript NM_030665.4 (MANE Select); coding-DNA position 529, C replaced by T.
Protein change: p.Pro177Ser; replaces proline 177 with serine.
Molecular consequence: missense variant.
Genome position (GRCh38, 1-based): chr17:17,793,477, C>T. VCF-style: chr17-17793477-C-T. GRCh37 (hg19) VCF-style: chr17-17696791-C-T.
Other names: short protein forms P177S.
Identifiers: ClinVar variation 2787318 (VCV002787318.3), dbSNP rs2508569379, ClinGen allele CA398545659.